The following is an entry in ClinVar:

NM_018136.5(ASPM):c.3871-1G>A

Gene: ASPM (assembly factor for spindle microtubules; minus strand). Cytogenetic location: 1q31.3.
Variant type: single nucleotide variant.
Coding change: c.3871-1G>A on transcript NM_018136.5 (MANE Select); the canonical splice acceptor site of the intron before coding-DNA position 3871, G replaced by A.
Molecular consequence: splice acceptor variant.
Genome position (GRCh38, 1-based): chr1:197,117,984, C>T on the plus strand (G>A on the coding strand, the complement: ASPM is on the minus strand). VCF-style: chr1-197117984-C-T. GRCh37 (hg19) VCF-style: chr1-197087114-C-T.
Other names: c.3871-1G>A (NM_001206846.2).
Identifiers: ClinVar variation 4885168 (VCV004885168.2).

ClinVar aggregate classification (germline): Likely pathogenic (1 of 4 stars; one submission).

Submission:

Dasa
Classification: Likely pathogenic. Last evaluated: 2025-08-05. Review status: criteria provided, single submitter. Criteria: DASA Assertion Criteria. Collection method: clinical testing. Allele origin: germline.
Comment: NM_018136.5(ASPM):c.3871-1G>A affects a canonical splice site and is predicted to disrupt normal RNA splicing. Loss of function is an established disease mechanism for ASPM-associated disorders. Also, this variant is absent from population databases. Based on the currently available evidence, this variant is classified as likely pathogenic.